The following is an entry in ClinVar:

ClinVar aggregate classification (germline): Conflicting classifications of pathogenicity. Review status: criteria provided, conflicting classifications (1 of 4 stars). 4 submissions from 4 submitters: Uncertain significance (2); Likely benign (1). 1 of the submissions does not count toward it. Last evaluated 2025-07-30.

Conditions:
Inborn genetic diseases. Identifiers: MedGen C0950123, MeSH D030342.
Familial hypokalemia-hypomagnesemia (GTLMNS). Also called: POTASSIUM AND MAGNESIUM DEPLETION; gitelman syndrome; HYPOMAGNESEMIA-HYPOKALEMIA, PRIMARY RENOTUBULAR, WITH HYPOCALCIURIA. Identifiers: Orphanet 358, MedGen C0268450, MONDO:0009904, OMIM 263800.

Allele frequency attached by ClinVar (database versions not stated): 1000 Genomes Project 0.00020; TOPMed 0.00004; gnomAD 0.00006; 1000 Genomes Project 30x 0.00016.
gnomAD v4.1: 78 of 1,610,662 alleles (0.0048%); highest among the groups gnomAD compares: Admixed American, 0.023%; 1 homozygote.

Submissions (4):

Labcorp Genetics (formerly Invitae), Labcorp
Classification: Uncertain significance. Last evaluated: 2025-07-30. Review status: criteria provided, single submitter. Criteria: Invitae Variant Classification Sherloc (09022015). Collection method: clinical testing. Allele origin: germline.
Comment: This sequence change replaces valine, which is neutral and non-polar, with methionine, which is neutral and non-polar, at codon 397 of the SLC12A3 protein (p.Val397Met). This variant is present in population databases (rs387907472, gnomAD 0.03%). This variant has not been reported in the literature in individuals affected with SLC12A3-related conditions. ClinVar contains an entry for this variant (Variation ID: 64413). An algorithm developed to predict the effect of missense changes on protein structure and function outputs the following: PolyPhen-2: "Benign". The methionine amino acid residue is found in multiple mammalian species, which suggests that this missense change does not adversely affect protein function. In summary, the available evidence is currently insufficient to determine the role of this variant in disease. Therefore, it has been classified as a Variant of Uncertain Significance.

Ambry Genetics
Classification: Likely benign for Inborn genetic diseases. Last evaluated: 2022-07-05. Review status: criteria provided, single submitter. Criteria: Ambry Variant Classification Scheme 2023. Collection method: clinical testing. Allele origin: germline.

Fulgent Genetics
Classification: Uncertain significance for Familial hypokalemia-hypomagnesemia. Last evaluated: 2022-04-07. Review status: criteria provided, single submitter. Criteria: ACMG Guidelines, 2015. Collection method: clinical testing. Allele origin: unknown.

Martin Pollak Laboratory,  Beth Israel Deaconess Medical Center
Classification: Uncertain significance. Review status: no assertion criteria provided. Collection method: not provided. Allele origin: unknown. Not counted in ClinVar's aggregate classification.
Comment: Higher UCa2+ group
ClinVar note: Converted during submission from unknown to Uncertain significance.

NM_001126108.2(SLC12A3):c.1189G>A (p.Val397Met)

Gene: SLC12A3 (solute carrier family 12 member 3; plus strand). Cytogenetic location: 16q13.
Variant type: single nucleotide variant.
Coding change: c.1189G>A on transcript NM_001126108.2 (MANE Select); coding-DNA position 1189, G replaced by A.
Protein change: p.Val397Met; replaces valine 397 with methionine.
Molecular consequence: missense variant.
Genome position (GRCh38, 1-based): chr16:56,879,081, G>A. VCF-style: chr16-56879081-G-A. GRCh37 (hg19) VCF-style: chr16-56912993-G-A.
Other names: c.1189G>A, p.Val397Met (NM_000339.3); c.1186G>A, p.Val396Met (NM_001126107.2); short protein forms V397M, V396M.
Identifiers: ClinVar variation 64413 (VCV000064413.7), dbSNP rs387907472, ClinGen allele CA216088.